The following is an entry in ClinVar:

NM_001440.4(EXTL3):c.2445T>C (p.Tyr815=)

Gene: EXTL3 (exostosin like glycosyltransferase 3; plus strand). Cytogenetic location: 8p21.1.
Variant type: single nucleotide variant.
Coding change: c.2445T>C on transcript NM_001440.4 (MANE Select); coding-DNA position 2445, T replaced by C.
Protein change: p.Tyr815=; no amino-acid change (tyrosine 815 retained).
Molecular consequence: synonymous variant. On other transcripts: non-coding transcript variant (1).
Genome position (GRCh38, 1-based): chr8:28,743,109, T>C. VCF-style: chr8-28743109-T-C. GRCh37 (hg19) VCF-style: chr8-28600626-T-C.
Other names: c.2445T>C, p.Tyr815= (NM_001437797.1, NM_001438399.1, NM_001438400.1 and 4 more transcripts).
Identifiers: ClinVar variation 4743203 (VCV004743203.3).
Genomic context (GRCh38, chr8:28,743,109, plus strand): 5'-GTAACAGAGCATGTGGTTCTTTTTCTTCCCCTGACAGTATTATGCCTACCTGTATTCTTA[T>C]GTGATGCCCCAGGCCATCCGGGACATGGTGGATGAATACATCAACTGTGAGGACATTGCC-3'
Protein context (NP_001431.1, residues 805-825): FHKYYAYLYS[Tyr815=]VMPQAIRDMV

ClinVar aggregate classification (germline): Likely benign. Review status: criteria provided, multiple submitters, no conflicts (2 of 4 stars). 2 submissions from 2 submitters: Likely benign (2). Last evaluated 2026-05-01.

gnomAD v4.1: 2 of 1,614,192 alleles (0.00012%); highest among the groups gnomAD compares: South Asian, 0.0011%; no homozygotes.

Submissions (2):

CeGaT Center for Human Genetics Tuebingen
Classification: Likely benign. Last evaluated: 2026-05-01. Review status: criteria provided, single submitter. Criteria: CeGaT Center For Human Genetics Tuebingen Variant Classification Criteria Version 2. Collection method: clinical testing. Allele origin: germline. Affected: yes. Observed: 1 variant allele.
Comment: EXTL3: BP4, BP7

Labcorp Genetics (formerly Invitae), Labcorp
Classification: Likely benign. Last evaluated: 2025-04-13. Review status: criteria provided, single submitter. Criteria: Invitae Variant Classification Sherloc (09022015). Collection method: clinical testing. Allele origin: germline.